The following is an entry in ClinVar:

NM_001165963.4(SCN1A):c.3094G>A (p.Glu1032Lys)

Genes: SCN1A (sodium voltage-gated channel alpha subunit 1; minus strand), LOC102724058 (uncharacterized LOC102724058; plus strand). Cytogenetic location: 2q24.3.
Variant type: single nucleotide variant.
Coding change: c.3094G>A on transcript NM_001165963.4 (MANE Select); coding-DNA position 3094, G replaced by A.
Protein change: p.Glu1032Lys; replaces glutamic acid 1032 with lysine.
Molecular consequence: missense variant. On other transcripts: non-coding transcript variant (2).
Genome position (GRCh38, 1-based): chr2:166,036,383, C>T on the plus strand (G>A on the coding strand, the complement: SCN1A is on the minus strand). VCF-style: chr2-166036383-C-T. GRCh37 (hg19) VCF-style: chr2-166892893-C-T.
Other names: c.3010G>A, p.Glu1004Lys (NM_001165964.3, NM_001353957.2, NM_001353958.2); c.3094G>A, p.Glu1032Lys (NM_001202435.3, NM_001353948.2); c.3061G>A, p.Glu1021Lys (NM_001353949.2, NM_001353950.2, NM_001353951.2 and 2 more transcripts); c.3058G>A, p.Glu1020Lys (NM_001353954.2, NM_001353955.2); c.3007G>A, p.Glu1003Lys (NM_001353960.2); c.652G>A, p.Glu218Lys (NM_001353961.2); short protein forms E1003K, E1004K, E1020K, E1021K, E1032K, E218K.
Identifiers: ClinVar variation 3242014 (VCV003242014.1), dbSNP rs1553540379.

ClinVar aggregate classification (germline): Uncertain significance (1 of 4 stars; one submission).

Conditions:
Severe myoclonic epilepsy in infancy (DRVT). Also called: SEVERE MYOCLONIC EPILEPSY OF INFANCY; Dravet syndrome; Epileptic encephalopathy, early infantile, 6 (Dravet syndrome); DEVELOPMENTAL AND EPILEPTIC ENCEPHALOPATHY 6A; Severe Myoclonic Epilepsy in Infancy (SMEI). Identifiers: Orphanet 33069, MedGen C0751122, MONDO:0100135, OMIM 607208.

Submission:

Neuberg Centre For Genomic Medicine, NCGM
Classification: Uncertain significance for Severe myoclonic epilepsy in infancy. Review status: criteria provided, single submitter. Criteria: ACMG Guidelines, 2015. Collection method: clinical testing. Allele origin: germline. Inheritance: Autosomal dominant inheritance. Affected: yes.
Comment: The observed missense variant c.3094G>A(p.Glu1032Lys) in SCN1A gene has not been reported previously as a pathogenic variant nor as a benign variant, to our knowledge. The c.3094G>A variant is absent in gnomAD Exomes. The amino acid Glutamic acid at position 1032 is changed to a Lysine changing protein sequence and it might alter its composition and physico-chemical properties. The amino acid change p.Glu1032Lys in SCN1A is predicted as conserved by GERP++ and PhyloP across 100 vertebrates. For these reasons, this variant has been classified as Uncertain Significance.